The following is an entry in ClinVar:

ClinVar aggregate classification (germline): Uncertain significance (1 of 4 stars; one submission).

gnomAD v4.1: 3 of 1,611,556 alleles (0.00019%); highest among the groups gnomAD compares: Non-Finnish European, 0.00025%; no homozygotes.

Submission:

Mayo Clinic Laboratories, Mayo Clinic
Classification: Uncertain significance. Last evaluated: 2025-06-12. Review status: criteria provided, single submitter. Criteria: ACMG Guidelines, 2015. Collection method: clinical testing. Allele origin: germline. Observed: 1 variant allele.
Comment: BP4_moderate, PM2_supporting

NM_001267550.2(TTN):c.83746G>A (p.Val27916Ile)

Genes: TTN (titin; minus strand), TTN-AS1 (TTN antisense RNA 1; plus strand). Cytogenetic location: 2q31.2.
Variant type: single nucleotide variant.
Coding change: c.83746G>A on transcript NM_001267550.2 (MANE Select); coding-DNA position 83746, G replaced by A.
Protein change: p.Val27916Ile; replaces valine 27916 with isoleucine.
Molecular consequence: missense variant.
Genome position (GRCh38, 1-based): chr2:178,562,386, C>T on the plus strand (G>A on the coding strand, the complement: TTN is on the minus strand). VCF-style: chr2-178562386-C-T. GRCh37 (hg19) VCF-style: chr2-179427113-C-T.
Other names: p.Val26275Ile; c.56926G>A, p.Val18976Ile (NM_133432.3); c.57127G>A, p.Val19043Ile (NM_133437.4); c.78823G>A, p.Val26275Ile (NM_001256850.1); c.56551G>A, p.Val18851Ile (NM_003319.4); c.76042G>A, p.Val25348Ile (NM_133378.4); short protein forms V19043I, V27916I, V18851I, V18976I, V25348I, V26275I.
Identifiers: ClinVar variation 4540712 (VCV004540712.1).
Genomic context (GRCh38, chr2:178,562,386, plus strand): 5'-CCCTGAAGACATACTCTTCTCCTGCAGTTAAGCCAGATATAGTTGCTTCTAGAGTCTTAA[C>T]TTGTGTGCAGGTGCTCCACTTTTCACTCCCTTTAGTCTGCATTTCAACCACATAACCAGT-3'
Protein context (NP_001254479.2, residues 27906-27926): GSEKWSTCTQ[Val27916Ile]KTLEATISGL